The following is an entry in ClinVar:

NM_014423.4(AFF4):c.1466C>T (p.Ala489Val)

Gene: AFF4 (ALF transcription elongation factor 4; minus strand). Cytogenetic location: 5q31.1.
Variant type: single nucleotide variant.
Coding change: c.1466C>T on transcript NM_014423.4 (MANE Select); coding-DNA position 1466, C replaced by T.
Protein change: p.Ala489Val; replaces alanine 489 with valine.
Molecular consequence: missense variant.
Genome position (GRCh38, 1-based): chr5:132,897,164, G>A on the plus strand (C>T on the coding strand, the complement: AFF4 is on the minus strand). VCF-style: chr5-132897164-G-A. GRCh37 (hg19) VCF-style: chr5-132232856-G-A.
Other names: short protein forms A489V.
Identifiers: ClinVar variation 3353095 (VCV003353095.1).

ClinVar aggregate classification (germline): Uncertain significance (0 of 4 stars; one submission).

Conditions:
AFF4-related disorder. Also called: AFF4-related condition.

gnomAD v4.1: 17 of 1,614,154 alleles (0.0011%); highest among the groups gnomAD compares: Non-Finnish European, 0.0014%; no homozygotes.

Submission:

PreventionGenetics, part of Exact Sciences
Classification: Uncertain significance for AFF4-related condition. Last evaluated: 2024-07-17. Review status: no assertion criteria provided. Collection method: clinical testing. Allele origin: germline.
Comment: The AFF4 c.1466C>T variant is predicted to result in the amino acid substitution p.Ala489Val. To our knowledge, this variant has not been reported in the literature or in a large population database, indicating this variant is rare. At this time, the clinical significance of this variant is uncertain due to the absence of conclusive functional and genetic evidence.